The following is an entry in ClinVar:

NM_000127.3(EXT1):c.1703C>G (p.Thr568Arg)

Gene: EXT1 (exostosin glycosyltransferase 1; minus strand). Cytogenetic location: 8q24.11.
Variant type: single nucleotide variant.
Coding change: c.1703C>G on transcript NM_000127.3 (MANE Select); coding-DNA position 1703, C replaced by G.
Protein change: p.Thr568Arg; replaces threonine 568 with arginine.
Molecular consequence: missense variant.
Genome position (GRCh38, 1-based): chr8:117,812,891, G>C on the plus strand (C>G on the coding strand, the complement: EXT1 is on the minus strand). VCF-style: chr8-117812891-G-C. GRCh37 (hg19) VCF-style: chr8-118825130-G-C.
Other names: short protein forms T568R.
Identifiers: ClinVar variation 5008698 (VCV005008698.1).

ClinVar aggregate classification (germline): Uncertain significance (1 of 4 stars; one submission).

Submission:

GeneDx
Classification: Uncertain significance. Last evaluated: 2026-03-06. Review status: criteria provided, single submitter. Criteria: GeneDx Variant Classification Process June 2021. Collection method: clinical testing. Allele origin: germline.
Comment: Not observed at significant frequency in large population cohorts (gnomAD); In silico analysis supports that this missense variant has a deleterious effect on protein structure/function; Has not been previously published as pathogenic or benign to our knowledge